The following is an entry in ClinVar:

ClinVar aggregate classification (germline): Conflicting classifications of pathogenicity. Review status: criteria provided, conflicting classifications (1 of 4 stars). 2 submissions from 2 submitters: Pathogenic (1); Uncertain significance (1). Last evaluated 2025-08-11.

Conditions:
Tatton-Brown-Rahman overgrowth syndrome. Also called: Tatton-Brown-Rahman syndrome; Tall stature-intellectual disability-facial dysmorphism syndrome. Identifiers: Orphanet 404443, MedGen C4014545, MONDO:0014382, OMIM 615879.

Allele frequency attached by ClinVar (database versions not stated): ExAC 0.00003.

Submissions (2):

Labcorp Genetics (formerly Invitae), Labcorp
Classification: Uncertain significance for Tatton-Brown-Rahman overgrowth syndrome. Last evaluated: 2025-08-11. Review status: criteria provided, single submitter. Criteria: Invitae Variant Classification Sherloc (09022015). Collection method: clinical testing. Allele origin: germline.
Comment: This sequence change replaces glycine, which is neutral and non-polar, with arginine, which is basic and polar, at codon 550 of the DNMT3A protein (p.Gly550Arg). The frequency data for this variant in the population databases is considered unreliable, as metrics indicate poor data quality at this position in the gnomAD database. This variant has not been reported in the literature in individuals affected with DNMT3A-related conditions. ClinVar contains an entry for this variant (Variation ID: 1188315). Invitae Evidence Modeling of protein sequence and biophysical properties (such as structural, functional, and spatial information, amino acid conservation, physicochemical variation, residue mobility, and thermodynamic stability) indicates that this missense variant is expected to disrupt DNMT3A protein function with a positive predictive value of 95%. In summary, the available evidence is currently insufficient to determine the role of this variant in disease. Therefore, it has been classified as a Variant of Uncertain Significance.

GeneDx
Classification: Pathogenic. Last evaluated: 2024-01-31. Review status: criteria provided, single submitter. Criteria: GeneDx Variant Classification Process June 2021. Collection method: clinical testing. Allele origin: germline. Affected: yes.
Comment: In silico analysis supports that this missense variant has a deleterious effect on protein structure/function; Has not been previously reported as a pathogenic or benign germline variant to our knowledge; This variant is associated with the following publications: (PMID: 37731390, 33272691)

NM_022552.5(DNMT3A):c.1648G>A (p.Gly550Arg)

Gene: DNMT3A (DNA methyltransferase 3 alpha; minus strand). Cytogenetic location: 2p23.3.
Variant type: single nucleotide variant.
Coding change: c.1648G>A on transcript NM_022552.5 (MANE Select); coding-DNA position 1648, G replaced by A.
Protein change: p.Gly550Arg; replaces glycine 550 with arginine.
Molecular consequence: missense variant. On other transcripts: non-coding transcript variant (1).
Genome position (GRCh38, 1-based): chr2:25,244,559, C>T on the plus strand (G>A on the coding strand, the complement: DNMT3A is on the minus strand). VCF-style: chr2-25244559-C-T. GRCh37 (hg19) VCF-style: chr2-25467428-C-T.
Other names: c.1192G>A, p.Gly398Arg (NM_001320893.1); c.979G>A, p.Gly327Arg (NM_001375819.1); c.1081G>A, p.Gly361Arg (NM_153759.3); c.1648G>A, p.Gly550Arg (NM_175629.2); short protein forms G327R, G361R, G398R, G550R.
Identifiers: ClinVar variation 1188315 (VCV001188315.4), dbSNP rs763336898, ClinGen allele CA1555919.
Genomic context (GRCh38, chr2:25,244,559, plus strand): 5'-GGCCCAGCTAAGGAGACCACTGGAGGCCACAACAGCCTCACCTGCAGCAGTTGTTGTTTC[C>T]GCACATGAGCACCTCACGGCCCCCACAGCAGATGGTGCAGTAGGACTGGTAGCCGTCGTC-3'
Protein context (NP_072046.2, residues 540-560): CCGGREVLMC[Gly550Arg]NNNCCRCFCV